The following is an entry in ClinVar:

NM_000252.3(MTM1):c.405_408delinsTT (p.Glu135fs)

Gene: MTM1 (myotubularin 1; plus strand). Cytogenetic location: Xq28.
Variant type: Indel.
Coding change: c.405_408delinsTT on transcript NM_000252.3 (MANE Select); coding-DNA positions 405 to 408, GATC replaced by TT.
Protein change: p.Glu135fs; shifts the reading frame from glutamic acid 135.
Molecular consequence: frameshift variant.
Genome position (GRCh38, 1-based): chrX:150,619,100-150,619,103, GATC replaced by TT. VCF-style: chrX-150619100-GATC-TT. GRCh37 (hg19) VCF-style: chrX-149787573-GATC-TT.
Other names: c.405_408delinsTT, p.Glu135fs (NM_001376906.1, NM_001376908.1); c.294_297delinsTT, p.Glu98fs (NM_001376907.1); short protein forms E135fs, E98fs.
Identifiers: ClinVar variation 1724003 (VCV001724003.2), dbSNP rs2522253798, ClinGen allele CA2580101639.

ClinVar aggregate classification (germline): Likely pathogenic (1 of 4 stars; one submission).

Conditions:
Severe X-linked myotubular myopathy (CNMX). Also called: MYOTUBULAR MYOPATHY 1; Myotubular myopathy, X-linked; X-linked centronuclear myopathy. Identifiers: Orphanet 596, MedGen C0410203, MONDO:0010683, OMIM 310400.

Submission:

Myriad Genetics, Inc.
Classification: Likely pathogenic for Severe X-linked myotubular myopathy. Last evaluated: 2022-01-23. Review status: criteria provided, single submitter. Criteria: Myriad Women's Health Autosomal Recessive and X-Linked Classification Criteria (2021). Collection method: clinical testing. Allele origin: unknown.
Comment: NM_000252.2(MTM1):c.405_408delGATCinsTT(E135Dfs*21) is expected to be pathogenic in the context of X-linked myotubular myopathy. This variant is predicted to lead to an abnormal or absent protein product due to the creation of a premature termination codon in MTM1, a gene where loss-of-function variants are known to be pathogenic. Please note: this variant was assessed in the context of healthy population screening.